The following is an entry in ClinVar:

ClinVar aggregate classification (germline): Pathogenic (1 of 4 stars; one submission).

Submission:

GeneDx
Classification: Pathogenic. Last evaluated: 2025-04-25. Review status: criteria provided, single submitter. Criteria: GeneDx Variant Classification Process June 2021. Collection method: clinical testing. Allele origin: germline. Affected: yes.
Comment: Frameshift variant predicted to result in protein truncation or nonsense mediated decay in a gene for which loss of function is a known mechanism of disease; Not observed at significant frequency in large population cohorts (gnomAD); Observed in a series of patients undergoing testing for familial adenomatous polyposis (PMID: 23159591); This variant is associated with the following publications: (PMID: 23159591)

NM_000038.6(APC):c.1171del (p.Ile391fs)

Gene: APC (APC regulator of Wnt signaling pathway; plus strand). Cytogenetic location: 5q22.2.
Variant type: Deletion.
Coding change: c.1171del on transcript NM_000038.6 (MANE Select); coding-DNA position 1171, one base deleted (A; older notation c.1171delA).
Protein change: p.Ile391fs; shifts the reading frame from isoleucine 391.
Molecular consequence: frameshift variant. On other transcripts: non-coding transcript variant (2), intron variant (15).
Genome position (GRCh38, 1-based): chr5:112,819,203, A deleted. VCF-style (leftmost placement, unchanged base first): chr5-112819202-CA-C. GRCh37 (hg19) VCF-style: chr5-112154899-CA-C.
Other names: c.1171del, p.Ile391fs (NM_001127510.3, NM_001354895.2, NM_001354896.2 and 4 more transcripts); c.1117del, p.Ile373fs (NM_001127511.3); c.1201del, p.Ile401fs (NM_001354897.2, NM_001407446.1); c.1096del, p.Ile366fs (NM_001354898.2, NM_001407451.1); c.1087del, p.Ile363fs (NM_001354899.2, NM_001407452.1); c.994del, p.Ile332fs (NM_001354900.2, NM_001354901.2, NM_001407453.1); c.322del, p.Ile108fs (NM_001354906.2, NM_001407470.1); c.85-66del (NM_001407472.1, NM_001407471.1); and 5 more; short protein forms I108fs, I332fs, I363fs, I366fs, I373fs, I391fs, I401fs.
Identifiers: ClinVar variation 4527658 (VCV004527658.1).